The following is an entry in ClinVar:

NM_000245.4(MET):c.4090C>T (p.Pro1364Ser)

Gene: MET (MET proto-oncogene, receptor tyrosine kinase; plus strand). Cytogenetic location: 7q31.2.
Variant type: single nucleotide variant.
Coding change: c.4090C>T on transcript NM_000245.4 (MANE Select); coding-DNA position 4090, C replaced by T.
Protein change: p.Pro1364Ser; replaces proline 1364 with serine.
Molecular consequence: missense variant.
Genome position (GRCh38, 1-based): chr7:116,796,041, C>T. VCF-style: chr7-116796041-C-T. GRCh37 (hg19) VCF-style: chr7-116436095-C-T.
Other names: c.4144C>T (LRG_662t1); c.4144C>T, p.Pro1382Ser (NM_001127500.3); c.2800C>T, p.Pro934Ser (NM_001324402.2); short protein forms P1382S, P1364S, P934S.
Identifiers: ClinVar variation 485750 (VCV000485750.18), dbSNP rs765332671, ClinGen allele CA4448826.
Genomic context (GRCh38, chr7:116,796,041, plus strand): 5'-TTCATTGGGGAGCACTATGTCCATGTGAACGCTACTTATGTGAACGTAAAATGTGTCGCT[C>T]CGTATCCTTCTCTGTTGTCATCAGAAGATAACGCTGATGATGAGGTGGACACACGACCAG-3'
Protein context (NP_000236.2, residues 1354-1374): ATYVNVKCVA[Pro1364Ser]YPSLLSSEDN

ClinVar aggregate classification (germline): Conflicting classifications of pathogenicity. Review status: criteria provided, conflicting classifications (1 of 4 stars). 4 submissions from 4 submitters: Uncertain significance (3); Likely benign (1). Last evaluated 2026-01-25.

Conditions:
Renal cell carcinoma. Identifiers: Orphanet 217071, MedGen C0007134, MeSH D002292, MONDO:0005086, HP:0005584.
Osteofibrous dysplasia (OSFD). Also called: Tibia, bowing of, with pseudarthrosis and pectus excavatum. Identifiers: Orphanet 488265, MedGen C4085248, MONDO:0011806, OMIM 607278.
Hepatocellular carcinoma (HCC). Also called: Primary carcinoma of liver; HEPATOMA; LIVER CELL CARCINOMA. Identifiers: Orphanet 88673, MedGen C2239176, MONDO:0007256, OMIM 114550, HP:0001402.
Papillary renal cell carcinoma type 1 (RCCP1). Also called: RENAL CELL CARCINOMA, PAPILLARY, 1, SOMATIC; Renal adenocarcinoma; Renal cell carcinoma 1; Renal cell carcinoma, somatic. Identifiers: Orphanet 47044, MedGen C1336839, OMIM 605074, HP:0011797.
Autosomal recessive nonsyndromic hearing loss 97. Also called: Deafness, autosomal recessive 97. Identifiers: Orphanet 90636, MedGen C4084709, MONDO:0014739, OMIM 616705.
Hereditary cancer-predisposing syndrome. Also called: Tumor predisposition; Hereditary Cancer Syndrome; Hereditary neoplastic syndrome; Neoplastic Syndromes, Hereditary. Identifiers: Orphanet 140162, MedGen C0027672, MeSH D009386, MONDO:0015356.

Allele frequency attached by ClinVar (database versions not stated): ExAC 0.00001; gnomAD exomes 0.00001 and 0.00002; TOPMed 0.00001; gnomAD 0.00002.
gnomAD v4.1: 30 of 1,613,854 alleles (0.0019%); highest among the groups gnomAD compares: Non-Finnish European, 0.0025%; no homozygotes.

Submissions (4):

Labcorp Genetics (formerly Invitae), Labcorp
Classification: Uncertain significance for Renal cell carcinoma. Last evaluated: 2026-01-25. Review status: criteria provided, single submitter. Criteria: Invitae Variant Classification Sherloc (09022015). Collection method: clinical testing. Allele origin: germline.
Comment: This sequence change replaces proline, which is neutral and non-polar, with serine, which is neutral and polar, at codon 1382 of the MET protein (p.Pro1382Ser). This variant is present in population databases (rs765332671, gnomAD 0.002%). This variant has not been reported in the literature in individuals affected with MET-related conditions. ClinVar contains an entry for this variant (Variation ID: 485750). An algorithm developed to predict the effect of missense changes on protein structure and function (PolyPhen-2) suggests that this variant is likely to be disruptive. In summary, the available evidence is currently insufficient to determine the role of this variant in disease. Therefore, it has been classified as a Variant of Uncertain Significance.

Ambry Genetics
Classification: Likely benign for Hereditary cancer-predisposing syndrome. Last evaluated: 2025-03-31. Review status: criteria provided, single submitter. Criteria: Ambry Variant Classification Scheme 2023. Collection method: clinical testing. Allele origin: germline.

GeneDx
Classification: Uncertain significance. Last evaluated: 2025-02-05. Review status: criteria provided, single submitter. Criteria: GeneDx Variant Classification Process June 2021. Collection method: clinical testing. Allele origin: germline. Affected: yes.
Comment: Not observed at significant frequency in large population cohorts (gnomAD); In silico analysis supports that this missense variant has a deleterious effect on protein structure/function; Has not been previously published as pathogenic or benign to our knowledge

Fulgent Genetics
Classification: Uncertain significance for Hepatocellular carcinoma; Papillary renal cell carcinoma type 1; Osteofibrous dysplasia; Autosomal recessive nonsyndromic hearing loss 97. Last evaluated: 2022-04-09. Review status: criteria provided, single submitter. Criteria: ACMG Guidelines, 2015. Collection method: clinical testing. Allele origin: unknown.